The following is an entry in ClinVar:

ClinVar aggregate classification (germline): Uncertain significance. Review status: criteria provided, multiple submitters, no conflicts (2 of 4 stars). 6 submissions from 6 submitters: Uncertain significance (6). Last evaluated 2025-05-24.

Conditions:
Donnai-Barrow syndrome. Also called: DBS/FOAR SYNDROME; FACIOOCULOACOUSTICORENAL SYNDROME. Identifiers: Orphanet 2143, MedGen C1857277, MONDO:0009104, OMIM 222448.

Allele frequency attached by ClinVar (database versions not stated): gnomAD exomes 0.00007; ExAC 0.00008; ESP Exome Variant Server 0.00008; gnomAD 0.00014 and 0.00015; TOPMed 0.00018.
gnomAD v4.1: 112 of 1,614,000 alleles (0.0069%); highest among the groups gnomAD compares: African/African-American, 0.037%; no homozygotes.

Submissions (6):

GeneDx
Classification: Uncertain significance. Last evaluated: 2025-05-24. Review status: criteria provided, single submitter. Criteria: GeneDx Variant Classification Process June 2021. Collection method: clinical testing. Allele origin: germline. Affected: yes.
Comment: In silico analysis supports that this missense variant has a deleterious effect on protein structure/function; Has not been previously published as pathogenic or benign to our knowledge

Labcorp Genetics (formerly Invitae), Labcorp
Classification: Uncertain significance. Last evaluated: 2024-12-02. Review status: criteria provided, single submitter. Criteria: Invitae Variant Classification Sherloc (09022015). Collection method: clinical testing. Allele origin: germline.
Comment: This sequence change replaces arginine, which is basic and polar, with cysteine, which is neutral and slightly polar, at codon 2125 of the LRP2 protein (p.Arg2125Cys). This variant is present in population databases (rs375749752, gnomAD 0.02%). This variant has not been reported in the literature in individuals affected with LRP2-related conditions. ClinVar contains an entry for this variant (Variation ID: 1421860). Invitae Evidence Modeling of protein sequence and biophysical properties (such as structural, functional, and spatial information, amino acid conservation, physicochemical variation, residue mobility, and thermodynamic stability) indicates that this missense variant is not expected to disrupt LRP2 protein function with a negative predictive value of 80%. In summary, the available evidence is currently insufficient to determine the role of this variant in disease. Therefore, it has been classified as a Variant of Uncertain Significance.

Blueprint Genetics
Classification: Uncertain significance. Last evaluated: 2024-07-10. Review status: criteria provided, single submitter. Criteria: ACMG Guidelines, 2015. Collection method: clinical testing. Allele origin: germline.

Fulgent Genetics
Classification: Uncertain significance for Donnai-Barrow syndrome. Last evaluated: 2024-02-02. Review status: criteria provided, single submitter. Criteria: ACMG Guidelines, 2015. Collection method: clinical testing. Allele origin: germline.

Mayo Clinic Laboratories, Mayo Clinic
Classification: Uncertain significance. Last evaluated: 2023-09-27. Review status: criteria provided, single submitter. Criteria: ACMG Guidelines, 2015. Collection method: clinical testing. Allele origin: germline. Observed: 1 variant allele.
Comment: PP3

Breakthrough Genomics
Classification: Uncertain significance. Review status: criteria provided, single submitter. Criteria: ACMG Guidelines, 2015. Collection method: not provided. Allele origin: germline. Inheritance: Autosomal recessive inheritance. Affected: yes.

NM_004525.3(LRP2):c.6373C>T (p.Arg2125Cys)

Gene: LRP2 (LDL receptor related protein 2; minus strand). Cytogenetic location: 2q31.1.
Variant type: single nucleotide variant.
Coding change: c.6373C>T on transcript NM_004525.3 (MANE Select); coding-DNA position 6373, C replaced by T.
Protein change: p.Arg2125Cys; replaces arginine 2125 with cysteine.
Molecular consequence: missense variant.
Genome position (GRCh38, 1-based): chr2:169,209,549, G>A on the plus strand (C>T on the coding strand, the complement: LRP2 is on the minus strand). VCF-style: chr2-169209549-G-A. GRCh37 (hg19) VCF-style: chr2-170066059-G-A.
Other names: p.Arg2125Cys; short protein forms R2125C.
Identifiers: ClinVar variation 1421860 (VCV001421860.11), dbSNP rs375749752, ClinGen allele CA1954305.
Genomic context (GRCh38, chr2:169,209,549, plus strand): 5'-TTTCTCCTATTCCATGTGTCACAATGTTCATCAGAGAAGATCCATCTGGTTTAATTCTAC[G>A]GATCGCATTATCAGATGCCACTGAGCTGCTAAAATCACACCAATAAATAAAGCCAGAGGA-3'
Protein context (NP_004516.2, residues 2115-2135): SSSVASDNAI[Arg2125Cys]RIKPDGSSLM